The following is an entry in ClinVar:

NM_001278716.2(FBXL4):c.647A>G (p.Tyr216Cys)

Gene: FBXL4 (F-box and leucine rich repeat protein 4; minus strand). Cytogenetic location: 6q16.2.
Variant type: single nucleotide variant.
Coding change: c.647A>G on transcript NM_001278716.2 (MANE Select); coding-DNA position 647, A replaced by G.
Protein change: p.Tyr216Cys; replaces tyrosine 216 with cysteine.
Molecular consequence: missense variant.
Genome position (GRCh38, 1-based): chr6:98,917,585, T>C on the plus strand (A>G on the coding strand, the complement: FBXL4 is on the minus strand). VCF-style: chr6-98917585-T-C. GRCh37 (hg19) VCF-style: chr6-99365461-T-C.
Other names: c.647A>G, p.Tyr216Cys (NM_012160.5); short protein forms Y216C.
Identifiers: ClinVar variation 1802027 (VCV001802027.1), dbSNP rs1772413994, ClinGen allele CA365084078.

ClinVar aggregate classification (germline): Uncertain significance (1 of 4 stars; one submission).

Allele frequency attached by ClinVar (database versions not stated): gnomAD exomes below 0.00001.
gnomAD v4.1: 1 of 1,614,040 alleles (0.000062%); highest among the groups gnomAD compares: East Asian, 0.0022%; no homozygotes.

Submission:

GeneDx
Classification: Uncertain significance. Last evaluated: 2022-06-03. Review status: criteria provided, single submitter. Criteria: GeneDx Variant Classification Process June 2021. Collection method: clinical testing. Allele origin: germline. Affected: yes.
Comment: Not observed at significant frequency in large population cohorts (gnomAD); In silico analysis supports that this missense variant has a deleterious effect on protein structure/function; Has not been previously published as pathogenic or benign to our knowledge